The following is an entry in ClinVar:

ClinVar aggregate classification (germline): Pathogenic (1 of 4 stars; one submission).

Conditions:
Primary ciliary dyskinesia. Also called: Ciliary dyskinesia. Identifiers: Orphanet 244, MedGen C0008780, MONDO:0016575, HP:0012265.

Submission:

Labcorp Genetics (formerly Invitae), Labcorp
Classification: Pathogenic for Primary ciliary dyskinesia. Last evaluated: 2022-07-11. Review status: criteria provided, single submitter. Criteria: Invitae Variant Classification Sherloc (09022015). Collection method: clinical testing. Allele origin: germline.
Comment: This sequence change creates a premature translational stop signal (p.Ile819Metfs*15) in the CCDC40 gene. It is expected to result in an absent or disrupted protein product. Loss-of-function variants in CCDC40 are known to be pathogenic (PMID: 21131974, 22693285, 23255504). This variant is present in population databases (no rsID available, gnomAD 0.0009%). This variant has not been reported in the literature in individuals affected with CCDC40-related conditions. ClinVar contains an entry for this variant (Variation ID: 1324026). For these reasons, this variant has been classified as Pathogenic.

Literature cited by the submitters: PubMed 21131974; PubMed 22693285; PubMed 23255504.

NM_017950.4(CCDC40):c.2457del (p.Ile819fs)

Gene: CCDC40 (coiled-coil domain 40 molecular ruler complex subunit; plus strand). Cytogenetic location: 17q25.3.
Variant type: Deletion.
Coding change: c.2457del on transcript NM_017950.4 (MANE Select); coding-DNA position 2457, one base deleted (T; older notation c.2457delT).
Protein change: p.Ile819fs; shifts the reading frame from isoleucine 819.
Molecular consequence: frameshift variant.
Genome position (GRCh38, 1-based): chr17:80,087,614, T deleted; the last of 2 consecutive T bases (chr17:80,087,613-80,087,614); deleting either gives the same sequence. VCF-style (leftmost placement, unchanged base first): chr17-80087612-AT-A. GRCh37 (hg19) VCF-style: chr17-78061411-AT-A.
Other names: c.2457del, p.Ile819fs (NM_001243342.2); short protein forms I819fs.
Identifiers: ClinVar variation 1324026 (VCV001324026.6), dbSNP rs1277942930, ClinGen allele CA628018602.